The following is an entry in ClinVar:

ClinVar aggregate classification (germline): Pathogenic/Likely pathogenic. Review status: criteria provided, multiple submitters, no conflicts (2 of 4 stars). 6 submissions from 6 submitters: Pathogenic (4); Likely pathogenic (1). 1 of the submissions does not count toward it. Last evaluated 2026-01-14.

Conditions:
Gastric cancer. Also called: Stomach cancer; Malignant tumor of stomach. Identifiers: MedGen C0024623, MeSH D013274, MONDO:0001056, OMIM 613659, HP:0012126.
Hereditary cancer-predisposing syndrome. Also called: Neoplastic Syndromes, Hereditary; Hereditary Cancer Syndrome; Tumor predisposition; Hereditary neoplastic syndrome. Identifiers: Orphanet 140162, MedGen C0027672, MeSH D009386, MONDO:0015356.
Familial cancer of breast. Also called: BREAST CANCER, FAMILIAL; hereditary breast carcinoma; Hereditary breast cancer. Identifiers: Orphanet 227535, MedGen C0346153, MONDO:0016419, OMIM 114480. Disease mechanism: loss of function.
Ataxia-telangiectasia syndrome (AT). Also called: Ataxia-telangiectasia, complementation group D; AT, COMPLEMENTATION GROUP C; Ataxia-telangiectasia; ATAXIA-TELANGIECTASIA, COMPLEMENTATION GROUP A; ATAXIA-TELANGIECTASIA, FRESNO VARIANT; Ataxia-telangiectasia, complementation group E. Identifiers: Orphanet 100, MedGen C0004135, MONDO:0008840, OMIM 208900.

Submissions (6):

Labcorp Genetics (formerly Invitae), Labcorp
Classification: Pathogenic for Ataxia-telangiectasia syndrome. Last evaluated: 2026-01-14. Review status: criteria provided, single submitter. Criteria: Invitae Variant Classification Sherloc (09022015). Collection method: clinical testing. Allele origin: germline.
Comment: This sequence change creates a premature translational stop signal (p.Lys1965Tyrfs*3) in the ATM gene. It is expected to result in an absent or disrupted protein product. Loss-of-function variants in ATM are known to be pathogenic (PMID: 23807571, 25614872). This variant is not present in population databases (gnomAD no frequency). This premature translational stop signal has been observed in individual(s) with breast cancer (PMID: 25186627). ClinVar contains an entry for this variant (Variation ID: 141409). For these reasons, this variant has been classified as Pathogenic.

Ambry Genetics
Classification: Pathogenic for Hereditary cancer-predisposing syndrome. Last evaluated: 2024-08-05. Review status: criteria provided, single submitter. Criteria: Ambry Variant Classification Scheme 2023. Collection method: clinical testing. Allele origin: germline.
Comment: The c.5893_5897delAAAAG pathogenic mutation, located in coding exon 38 of the ATM gene, results from a deletion of 5 nucleotides at nucleotide positions 5893 to 5897, causing a translational frameshift with a predicted alternate stop codon (p.K1965Yfs*3). In addition to the clinical data presented in the literature, this alteration is expected to result in loss of function by premature protein truncation or nonsense-mediated mRNA decay. As such, this alteration is interpreted as a disease-causing mutation.

Natera, Inc.
Classification: Likely pathogenic for Ataxia-telangiectasia. Last evaluated: 2024-05-22. Review status: criteria provided, single submitter. Criteria: Natera Variant Classification Schema (03/2026). Collection method: clinical testing. Allele origin: germline.
Comment: The c.5893_5897del variant in ATM is a frameshift variant predicted to shift the reading frame beginning at codon 1965 and leads to a stop codon 3 codons downstream. This variant is expected to result in nonsense mediated decay, truncation, or a dysfunctional protein product. This variant is rare in the general population with a frequency below the threshold expected for the associated phenotype(s). Given the available evidence, this variant is classified as Likely Pathogenic.

Myriad Genetics, Inc.
Classification: Pathogenic for Familial cancer of breast. Last evaluated: 2024-01-26. Review status: criteria provided, single submitter. Criteria: Myriad Autosomal Dominant, Autosomal Recessive and X-Linked Classification Criteria (2023). Collection method: clinical testing. Allele origin: unknown.
Comment: This variant is considered pathogenic. This variant creates a frameshift predicted to result in premature protein truncation.

Baylor Genetics
Classification: Pathogenic for Familial cancer of breast. Last evaluated: 2021-08-27. Review status: criteria provided, single submitter. Criteria: ACMG Guidelines, 2015. Collection method: clinical testing. Allele origin: unknown.

Laboratory for Genotyping Development, RIKEN
Classification: Pathogenic for Gastric cancer. Last evaluated: 2021-07-01. Review status: no assertion criteria provided. Collection method: research. Allele origin: germline. Not counted in ClinVar's aggregate classification.

Literature cited by the submitters: PubMed 23807571 (cited by Labcorp Genetics (formerly Invitae), Labcorp); PubMed 25614872 (cited by Labcorp Genetics (formerly Invitae), Labcorp); PubMed 25186627 (cited by Labcorp Genetics (formerly Invitae), Labcorp and Ambry Genetics); PubMed 28139868 (cited by Ambry Genetics); PubMed 28152038 (cited by Ambry Genetics); PubMed 36988593 (cited by Laboratory for Genotyping Development, RIKEN).

NM_000051.4(ATM):c.5893_5897del (p.Lys1965fs)

Genes: ATM (ATM serine/threonine kinase; plus strand), C11orf65 (chromosome 11 open reading frame 65; minus strand). Cytogenetic location: 11q22.3.
Variant type: Deletion.
Coding change: c.5893_5897del on transcript NM_000051.4 (MANE Select); coding-DNA positions 5893 to 5897, 5 bases deleted (AAAAG; older notation c.5893_5897delAAAAG).
Protein change: p.Lys1965fs; shifts the reading frame from lysine 1965.
Molecular consequence: frameshift variant. On other transcripts: intron variant (2).
Genome position (GRCh38, 1-based): chr11:108,310,290-108,310,294, AAAAG deleted; deleting any 5 consecutive bases within chr11:108,310,287-108,310,294 gives the same sequence; the c. name uses the placement nearest the transcript's 3' end. VCF-style (leftmost placement, unchanged base first): chr11-108310286-TAAGAA-T. GRCh37 (hg19) VCF-style: chr11-108181013-TAAGAA-T.
Other names: c.5893_5897del, p.Lys1965fs (NM_001351834.2); c.641-1220_641-1216del (NM_001330368.2); c.*39-1220_*39-1216del (NM_001351110.2); c.5893_5897del (NM_000051.3); short protein forms K1965fs.
Identifiers: ClinVar variation 141409 (VCV000141409.33), dbSNP rs587781727, ClinGen allele CA165350.